The following is an entry in ClinVar:

NM_001122769.3(LCA5):c.188A>G (p.Gln63Arg)

Gene: LCA5 (lebercilin LCA5; minus strand). Cytogenetic location: 6q14.1.
Variant type: single nucleotide variant.
Coding change: c.188A>G on transcript NM_001122769.3 (MANE Select); coding-DNA position 188, A replaced by G.
Protein change: p.Gln63Arg; replaces glutamine 63 with arginine.
Molecular consequence: missense variant.
Genome position (GRCh38, 1-based): chr6:79,518,707, T>C on the plus strand (A>G on the coding strand, the complement: LCA5 is on the minus strand). VCF-style: chr6-79518707-T-C. GRCh37 (hg19) VCF-style: chr6-80228424-T-C.
Other names: c.188A>G, p.Gln63Arg (NM_181714.4); c.188A>G (NM_181714.3); short protein forms Q63R.
Identifiers: ClinVar variation 1898252 (VCV001898252.3), dbSNP rs762452189, ClinGen allele CA141847866.

ClinVar aggregate classification (germline): Uncertain significance. Review status: criteria provided, multiple submitters, no conflicts (2 of 4 stars). 2 submissions from 2 submitters: Uncertain significance (2). Last evaluated 2025-11-20.

Conditions:
Inborn genetic diseases. Identifiers: MedGen C0950123, MeSH D030342.

Allele frequency attached by ClinVar (database versions not stated): gnomAD exomes 0.00001; gnomAD 0.00001.
gnomAD v4.1: 8 of 1,613,970 alleles (0.0005%); highest among the groups gnomAD compares: South Asian, 0.0011%; no homozygotes.

Submissions (2):

Ambry Genetics
Classification: Uncertain significance for Inborn genetic diseases. Last evaluated: 2025-11-20. Review status: criteria provided, single submitter. Criteria: Ambry Variant Classification Scheme 2023. Collection method: clinical testing. Allele origin: germline.

Labcorp Genetics (formerly Invitae), Labcorp
Classification: Uncertain significance. Last evaluated: 2022-05-27. Review status: criteria provided, single submitter. Criteria: Invitae Variant Classification Sherloc (09022015). Collection method: clinical testing. Allele origin: germline.
Comment: This sequence change replaces glutamine, which is neutral and polar, with arginine, which is basic and polar, at codon 63 of the LCA5 protein (p.Gln63Arg). This variant is not present in population databases (gnomAD no frequency). This variant has not been reported in the literature in individuals affected with LCA5-related conditions. Algorithms developed to predict the effect of missense changes on protein structure and function (SIFT, PolyPhen-2, Align-GVGD) all suggest that this variant is likely to be tolerated. In summary, the available evidence is currently insufficient to determine the role of this variant in disease. Therefore, it has been classified as a Variant of Uncertain Significance.